The following is an entry in ClinVar:

NM_000327.4(ROM1):c.854_855delinsAT (p.Gly285Asp)

Gene: ROM1 (retinal outer segment membrane protein 1; plus strand). Cytogenetic location: 11q12.3.
Variant type: Indel.
Coding change: c.854_855delinsAT on transcript NM_000327.4 (MANE Select); coding-DNA positions 854 to 855, GC replaced by AT.
Protein change: p.Gly285Asp; replaces glycine 285 with aspartic acid.
Molecular consequence: missense variant.
Genome position (GRCh38, 1-based): chr11:62,614,637-62,614,638, GC replaced by AT. VCF-style: chr11-62614637-GC-AT. GRCh37 (hg19) VCF-style: chr11-62382109-GC-AT.
Other names: short protein forms G285D.
Identifiers: ClinVar variation 1423895 (VCV001423895.6), dbSNP rs2134424216, ClinGen allele CA2573147453.

ClinVar aggregate classification (germline): Uncertain significance (1 of 4 stars; one submission).

Submission:

Labcorp Genetics (formerly Invitae), Labcorp
Classification: Uncertain significance. Last evaluated: 2022-08-23. Review status: criteria provided, single submitter. Criteria: Invitae Variant Classification Sherloc (09022015). Collection method: clinical testing. Allele origin: germline.
Comment: This sequence change replaces glycine, which is neutral and non-polar, with aspartic acid, which is acidic and polar, at codon 285 of the ROM1 protein (p.Gly285Asp). In summary, the available evidence is currently insufficient to determine the role of this variant in disease. Therefore, it has been classified as a Variant of Uncertain Significance. Algorithms developed to predict the effect of missense changes on protein structure and function are either unavailable or do not agree on the potential impact of this missense change (SIFT: "Not Available"; PolyPhen-2: "Probably Damaging"; Align-GVGD: "Not Available"). ClinVar contains an entry for this variant (Variation ID: 1423895). This variant has not been reported in the literature in individuals affected with ROM1-related conditions. Information on the frequency of this variant in the gnomAD database is not available, as this variant may be reported differently in the database.